The following is an entry in ClinVar:

NM_001375567.1(FOCAD):c.1125dup (p.Ser376fs)

Gene: FOCAD (focadhesin; plus strand). Cytogenetic location: 9p21.3.
Variant type: Duplication.
Coding change: c.1125dup on transcript NM_001375567.1 (MANE Select); coding-DNA position 1125, one base duplicated (C; older notation c.1125dupC).
Protein change: p.Ser376fs; shifts the reading frame from serine 376.
Molecular consequence: frameshift variant.
Genome position (GRCh38, 1-based): chr9:20,781,857, C duplicated; the last of 3 consecutive C bases (chr9:20,781,855-20,781,857); duplicating any one gives the same sequence. VCF-style (leftmost placement, unchanged base first): chr9-20781854-T-TC. GRCh37 (hg19) VCF-style: chr9-20781853-T-TC.
Other names: c.1125dup, p.Ser376fs (NM_001375568.1, NM_017794.5); c.1020dup, p.Ser341fs (NM_001375570.1); short protein forms S341fs, S376fs.
Identifiers: ClinVar variation 3655473 (VCV003655473.2).
Genomic context (GRCh38, chr9:20,781,854, plus strand): 5'-AATTCTGCAGATACTATCTTCTACTGCCTTGGAAGACTGTATATCTGTGGATGAAGAAGG[T>TC]CCCTCTAGGCAGCAGTTGGCTCTAAACCTTTTGGAAATGATACAGCAGGAATGTTACAGA-3'

ClinVar aggregate classification (germline): Uncertain significance (1 of 4 stars; one submission).

Submission:

Labcorp Genetics (formerly Invitae), Labcorp
Classification: Uncertain significance. Last evaluated: 2024-06-09. Review status: criteria provided, single submitter. Criteria: Invitae Variant Classification Sherloc (09022015). Collection method: clinical testing. Allele origin: germline.
Comment: This sequence change creates a premature translational stop signal (p.Ser376Leufs*2) in the FOCAD gene. It is expected to result in an absent or disrupted protein product. However, the current clinical and genetic evidence is not sufficient to establish whether loss-of-function variants in FOCAD cause disease. This variant is not present in population databases (gnomAD no frequency). This variant has not been reported in the literature in individuals affected with FOCAD-related conditions. In summary, the available evidence is currently insufficient to determine the role of this variant in disease. Therefore, it has been classified as a Variant of Uncertain Significance.